The following is an entry in ClinVar:

ClinVar aggregate classification (germline): Likely benign. Review status: criteria provided, multiple submitters, no conflicts (2 of 4 stars). 3 submissions from 3 submitters: Likely benign (3). Last evaluated 2026-07-07.

Conditions:
Rhabdoid tumor predisposition syndrome 2 (RTPS2). Identifiers: Orphanet 231108, Orphanet 69077, MedGen C2750074, MONDO:0013224, OMIM 613325.

Allele frequency attached by ClinVar (database versions not stated): TOPMed below 0.00001; ExAC 0.00003; gnomAD exomes 0.00002.
gnomAD v4.1: 66 of 1,580,378 alleles (0.0042%); highest among the groups gnomAD compares: Non-Finnish European, 0.0055%; no homozygotes.

Submissions (3):

Myriad Genetics, Inc.
Classification: Likely benign for Rhabdoid tumor predisposition syndrome 2. Last evaluated: 2026-07-07. Review status: criteria provided, single submitter. Criteria: Myriad Autosomal Dominant, Autosomal Recessive and X-Linked Classification Criteria (2023). Collection method: clinical testing. Allele origin: unknown.
Comment: This variant is considered likely benign. This variant is intronic and is not expected to impact mRNA splicing.

Labcorp Genetics (formerly Invitae), Labcorp
Classification: Likely benign for Rhabdoid tumor predisposition syndrome 2. Last evaluated: 2025-10-14. Review status: criteria provided, single submitter. Criteria: Invitae Variant Classification Sherloc (09022015). Collection method: clinical testing. Allele origin: germline.

Quest Diagnostics Nichols Institute San Juan Capistrano
Classification: Likely benign. Last evaluated: 2025-04-30. Review status: criteria provided, single submitter. Criteria: Quest Diagnostics criteria. Collection method: clinical testing. Allele origin: unknown.

NM_003072.5(SMARCA4):c.3081+8C>T

Gene: SMARCA4 (SWI/SNF related BAF chromatin remodeling complex subunit ATPase 4; plus strand). Cytogenetic location: 19p13.2.
Variant type: single nucleotide variant.
Coding change: c.3081+8C>T on transcript NM_003072.5 (MANE Select); 8 bases into the intron after coding-DNA position 3081, C replaced by T.
Molecular consequence: intron variant.
Genome position (GRCh38, 1-based): chr19:11,024,446, C>T. VCF-style: chr19-11024446-C-T. GRCh37 (hg19) VCF-style: chr19-11135122-C-T.
Other names: c.3081+8C>T (NM_001128844.3, NM_001128849.3, NM_001128847.4 and 4 more transcripts).
Identifiers: ClinVar variation 763640 (VCV000763640.12), dbSNP rs775978879, ClinGen allele CA9204304.